The following is an entry in ClinVar:

ClinVar aggregate classification (germline): Uncertain significance. Review status: criteria provided, multiple submitters, no conflicts (2 of 4 stars). 2 submissions from 2 submitters: Uncertain significance (2). Last evaluated 2026-09-01.

Conditions:
PIDD1-related disorder. Also called: PIDD1-related condition.

gnomAD v4.1: 75 of 1,611,768 alleles (0.0047%); highest among the groups gnomAD compares: Admixed American, 0.062%; no homozygotes.

Submissions (2):

GeneDx
Classification: Uncertain significance. Last evaluated: 2026-09-01. Review status: criteria provided, single submitter. Criteria: GeneDx Variant Classification Process June 2021. Collection method: clinical testing. Allele origin: germline.
Comment: Published functional studies demonstrate a damaging effect with disruption of PIDDosome function and impairment of RAIDD recruitment (PMID: 39448602, 42054439); In silico analysis suggests that this missense variant does not alter protein structure/function; This variant is associated with the following publications: (PMID: 42054439, 39448602)

PreventionGenetics, part of Exact Sciences
Classification: Uncertain significance for PIDD1-related condition. Last evaluated: 2026-02-01. Review status: criteria provided, single submitter. Criteria: ACMG Guidelines, 2015. Collection method: clinical testing. Allele origin: germline.
Comment: The PIDD1 c.2636A>G variant is predicted to result in the amino acid substitution p.Lys879Arg. To our knowledge, this variant has not been reported in the literature. This variant is reported in 0.062% of alleles in individuals of Latino descent in gnomAD. Although we suspect that this variant may be benign, at this time, the clinical significance of this variant is uncertain due to the absence of conclusive functional and genetic evidence.

NM_145886.4(PIDD1):c.2636A>G (p.Lys879Arg)

Gene: PIDD1 (p53-induced death domain protein 1; minus strand). Cytogenetic location: 11p15.5.
Variant type: single nucleotide variant.
Coding change: c.2636A>G on transcript NM_145886.4 (MANE Select); coding-DNA position 2636, A replaced by G.
Protein change: p.Lys879Arg; replaces lysine 879 with arginine.
Molecular consequence: missense variant.
Genome position (GRCh38, 1-based): chr11:799,404, T>C on the plus strand (A>G on the coding strand, the complement: PIDD1 is on the minus strand). VCF-style: chr11-799404-T-C. GRCh37 (hg19) VCF-style: chr11-799404-T-C.
Other names: c.2585A>G, p.Lys862Arg (NM_145887.4); short protein forms K862R, K879R.
Identifiers: ClinVar variation 3343355 (VCV003343355.3).
Genomic context (GRCh38, chr11:799,404, plus strand): 5'-GAGCCAGGCAGAGCGGGGTCCTTGGGGGCCAAGCCCATGCGTCGGATGCTGTCCTGGTAC[T>C]TGCGGCGGCCGAGCTCCAAGACTGCGCGCACCTCTTCAGCCACGTCCTGCCGGTCACTCT-3'
Protein context (NP_665893.2, residues 869-889): VRAVLELGRR[Lys879Arg]YQDSIRRMGL